The following is an entry in ClinVar:

NM_000090.4(COL3A1):c.1009C>T (p.Pro337Ser)

Gene: COL3A1 (collagen type III alpha 1 chain; plus strand). Cytogenetic location: 2q32.2.
Variant type: single nucleotide variant.
Coding change: c.1009C>T on transcript NM_000090.4 (MANE Select); coding-DNA position 1009, C replaced by T.
Protein change: p.Pro337Ser; replaces proline 337 with serine.
Molecular consequence: missense variant.
Genome position (GRCh38, 1-based): chr2:188,992,899, C>T. VCF-style: chr2-188992899-C-T. GRCh37 (hg19) VCF-style: chr2-189857625-C-T.
Other names: short protein forms P337S.
Identifiers: ClinVar variation 2147924 (VCV002147924.5), dbSNP rs1207440243, ClinGen allele CA349850575.

ClinVar aggregate classification (germline): Uncertain significance. Review status: criteria provided, multiple submitters, no conflicts (2 of 4 stars). 3 submissions from 3 submitters: Uncertain significance (3). Last evaluated 2025-03-04.

Conditions:
Ehlers-Danlos syndrome, type 4 (EDSVASC). Also called: Ehlers-Danlos syndrome vascular type; Ehlers Danlos syndrome, ecchymotic type; Ehlers Danlos syndrome, arterial type; Ehlers Danlos syndrome, Sack-Barabas type; Ehlers-Danlos Syndrome Type IV. Identifiers: Orphanet 286, MedGen C0268338, MONDO:0017314, OMIM 130050.
Familial thoracic aortic aneurysm and aortic dissection (TAAD). Also called: Thoracic aortic aneurysms and dissections. Identifiers: Orphanet 91387, MedGen C4707243, MONDO:0019625.

Allele frequency attached by ClinVar (database versions not stated): TOPMed below 0.00001; gnomAD 0.00001; gnomAD exomes 0.00001.
gnomAD v4.1: 7 of 1,613,810 alleles (0.00043%); highest among the groups gnomAD compares: East Asian, 0.016%; no homozygotes.

Submissions (3):

Labcorp Genetics (formerly Invitae), Labcorp
Classification: Uncertain significance for Ehlers-Danlos syndrome, type 4. Last evaluated: 2025-03-04. Review status: criteria provided, single submitter. Criteria: Invitae Variant Classification Sherloc (09022015). Collection method: clinical testing. Allele origin: germline.
Comment: This sequence change replaces proline, which is neutral and non-polar, with serine, which is neutral and polar, at codon 337 of the COL3A1 protein (p.Pro337Ser). This variant is present in population databases (no rsID available, gnomAD 0.01%). This missense change has been observed in individual(s) with COL3A1-relayed conditions (PMID: 36517271). ClinVar contains an entry for this variant (Variation ID: 2147924). Invitae Evidence Modeling of protein sequence and biophysical properties (such as structural, functional, and spatial information, amino acid conservation, physicochemical variation, residue mobility, and thermodynamic stability) indicates that this missense variant is not expected to disrupt COL3A1 protein function with a negative predictive value of 95%. In summary, the available evidence is currently insufficient to determine the role of this variant in disease. Therefore, it has been classified as a Variant of Uncertain Significance.

Color Diagnostics, LLC DBA Color Health
Classification: Uncertain significance for Familial thoracic aortic aneurysm and aortic dissection. Last evaluated: 2024-03-06. Review status: criteria provided, single submitter. Criteria: ACMG Guidelines, 2015. Collection method: clinical testing. Allele origin: germline.
Comment: This missense variant replaces proline with serine at codon 337 of the COL3A1 protein. Computational prediction tool indicates that this variant has an uncertain impact on protein structure and function. To our knowledge, functional studies have not been reported for this variant. This variant has not been reported in individuals affected with cardiovascular disorders in the literature. This variant has been identified in 2/251364 chromosomes in the general population by the Genome Aggregation Database (gnomAD). The available evidence is insufficient to determine the role of this variant in disease conclusively. Therefore, this variant is classified as a Variant of Uncertain Significance.

All of Us Research Program, National Institutes of Health
Classification: Uncertain significance for Ehlers-Danlos syndrome, type 4. Last evaluated: 2024-02-05. Review status: criteria provided, single submitter. Criteria: ACMG Guidelines, 2015. Collection method: clinical testing. Allele origin: germline. Inheritance: Autosomal dominant inheritance. Observed: 3 variant alleles, 3 heterozygotes.
Comment: This missense variant replaces proline with serine at codon 337 of the COL3A1 protein. Computational prediction is inconclusive regarding the impact of this variant on protein structure and function (internally defined REVEL score threshold 0.5 < inconclusive < 0.7, PMID: 27666373). To our knowledge, functional studies have not been reported for this variant. This variant has not been reported in individuals affected with cardiovascular disorders in the literature. This variant has been identified in 2/251364 chromosomes in the general population by the Genome Aggregation Database (gnomAD). The available evidence is insufficient to determine the role of this variant in disease conclusively. Therefore, this variant is classified as a Variant of Uncertain Significance.

This study involves interpretation of variants in research participants for the purpose of population health screening. Participant phenotype was not available at the time of variant classification. Additional details can be found in publication PMID: 35346344, PMCID: PMC8962531

Literature cited by the submitters: PubMed 36517271 (cited by Labcorp Genetics (formerly Invitae), Labcorp).